The following is an entry in ClinVar:

NM_003482.4(KMT2D):c.7327C>T (p.Arg2443Cys)

Gene: KMT2D (lysine methyltransferase 2D; minus strand). Cytogenetic location: 12q13.12.
Variant type: single nucleotide variant.
Coding change: c.7327C>T on transcript NM_003482.4 (MANE Select); coding-DNA position 7327, C replaced by T.
Protein change: p.Arg2443Cys; replaces arginine 2443 with cysteine.
Molecular consequence: missense variant.
Genome position (GRCh38, 1-based): chr12:49,040,443, G>A on the plus strand (C>T on the coding strand, the complement: KMT2D is on the minus strand). VCF-style: chr12-49040443-G-A. GRCh37 (hg19) VCF-style: chr12-49434226-G-A.
Other names: short protein forms R2443C.
Identifiers: ClinVar variation 1427898 (VCV001427898.31), dbSNP rs371053017, ClinGen allele CA6547089.

ClinVar aggregate classification (germline): Conflicting classifications of pathogenicity. Review status: criteria provided, conflicting classifications (1 of 4 stars). 2 submissions from 2 submitters: Uncertain significance (1); Benign (1). Last evaluated 2025-11-22.

Conditions:
Kabuki syndrome. Also called: Kabuki make-up syndrome; NIIKAWA-KUROKI SYNDROME. Identifiers: Orphanet 2322, MedGen C0796004, MONDO:0016512.

Allele frequency attached by ClinVar (database versions not stated): gnomAD 0.00001 and 0.00003; gnomAD exomes 0.00001 and 0.00002; TOPMed 0.00001; ExAC 0.00006; ESP Exome Variant Server 0.00016; 1000 Genomes Project 0.00040; 1000 Genomes Project 30x 0.00047.
gnomAD v4.1: 20 of 1,559,016 alleles (0.0013%); highest among the groups gnomAD compares: Admixed American, 0.0038%; no homozygotes.

Submissions (2):

Labcorp Genetics (formerly Invitae), Labcorp
Classification: Benign for Kabuki syndrome. Last evaluated: 2025-11-22. Review status: criteria provided, single submitter. Criteria: Invitae Variant Classification Sherloc (09022015). Collection method: clinical testing. Allele origin: germline.

CeGaT Center for Human Genetics Tuebingen
Classification: Uncertain significance. Last evaluated: 2023-08-01. Review status: criteria provided, single submitter. Criteria: CeGaT Center For Human Genetics Tuebingen Variant Classification Criteria Version 2. Collection method: clinical testing. Allele origin: germline. Affected: yes. Observed: 1 variant allele.
Comment: KMT2D: PP2